The following is an entry in ClinVar:

NM_000346.4(SOX9):c.608T>A (p.Ile203Asn)

Gene: SOX9 (SRY-box transcription factor 9; plus strand). Cytogenetic location: 17q24.3.
Variant type: single nucleotide variant.
Coding change: c.608T>A on transcript NM_000346.4 (MANE Select); coding-DNA position 608, T replaced by A.
Protein change: p.Ile203Asn; replaces isoleucine 203 with asparagine.
Molecular consequence: missense variant.
Genome position (GRCh38, 1-based): chr17:72,122,895, T>A. VCF-style: chr17-72122895-T-A. GRCh37 (hg19) VCF-style: chr17-70119036-T-A.
Other names: short protein forms I203N.
Identifiers: ClinVar variation 3619950 (VCV003619950.2).

ClinVar aggregate classification (germline): Uncertain significance (1 of 4 stars; one submission).

Conditions:
Camptomelic dysplasia (CMPD). Also called: Campomelic Dysplasia; CMPD1/SRA1. Identifiers: Orphanet 140, MedGen C1861922, MONDO:0007251, OMIM 114290.

Submission:

Labcorp Genetics (formerly Invitae), Labcorp
Classification: Uncertain significance for Camptomelic dysplasia. Last evaluated: 2024-04-29. Review status: criteria provided, single submitter. Criteria: Invitae Variant Classification Sherloc (09022015). Collection method: clinical testing. Allele origin: germline.
Comment: This sequence change replaces isoleucine, which is neutral and non-polar, with asparagine, which is neutral and polar, at codon 203 of the SOX9 protein (p.Ile203Asn). This variant is not present in population databases (gnomAD no frequency). This variant has not been reported in the literature in individuals affected with SOX9-related conditions. Advanced modeling of protein sequence and biophysical properties (such as structural, functional, and spatial information, amino acid conservation, physicochemical variation, residue mobility, and thermodynamic stability) has been performed at Invitae for this missense variant, however the output from this modeling did not meet the statistical confidence thresholds required to predict the impact of this variant on SOX9 protein function. In summary, the available evidence is currently insufficient to determine the role of this variant in disease. Therefore, it has been classified as a Variant of Uncertain Significance.